The following is an entry in ClinVar:

NM_001458.5(FLNC):c.4288+3G>A

Gene: FLNC (filamin C; plus strand). Cytogenetic location: 7q32.1.
Variant type: single nucleotide variant.
Coding change: c.4288+3G>A on transcript NM_001458.5 (MANE Select); 3 bases into the intron after coding-DNA position 4288, G replaced by A.
Molecular consequence: intron variant.
Genome position (GRCh38, 1-based): chr7:128,846,908, G>A. VCF-style: chr7-128846908-G-A. GRCh37 (hg19) VCF-style: chr7-128486962-G-A.
Other names: c.4288+3G>A (NM_001127487.2).
Identifiers: ClinVar variation 1394211 (VCV001394211.8), dbSNP rs1199950013, ClinGen allele CA578151038.

ClinVar aggregate classification (germline): Uncertain significance (1 of 4 stars; one submission).

Conditions:
Myofibrillar myopathy 5. Also called: Filaminopathy (type); FILAMINOPATHY, AUTOSOMAL DOMINANT. Identifiers: Orphanet 171445, MedGen C1836050, MONDO:0012289, OMIM 609524.
Hypertrophic cardiomyopathy 26. Also called: Cardiomyopathy, familial hypertrophic, 26. Identifiers: Orphanet 75249, MedGen C4310749, MONDO:0014883, OMIM 617047.
Distal myopathy with posterior leg and anterior hand involvement. Also called: WILLIAMS DISTAL MYOPATHY. Identifiers: Orphanet 63273, MedGen C3279722, MONDO:0013550, OMIM 614065.

Allele frequency attached by ClinVar (database versions not stated): gnomAD 0.00001; gnomAD exomes 0.00001.

Submission:

Labcorp Genetics (formerly Invitae), Labcorp
Classification: Uncertain significance for Distal myopathy with posterior leg and anterior hand involvement; Myofibrillar myopathy 5; Hypertrophic cardiomyopathy 26. Last evaluated: 2022-02-10. Review status: criteria provided, single submitter. Criteria: Invitae Variant Classification Sherloc (09022015). Collection method: clinical testing. Allele origin: germline.
Comment: In summary, the available evidence is currently insufficient to determine the role of this variant in disease. Therefore, it has been classified as a Variant of Uncertain Significance. Variants that disrupt the consensus splice site are a relatively common cause of aberrant splicing (PMID: 17576681, 9536098). Algorithms developed to predict the effect of sequence changes on RNA splicing suggest that this variant may create or strengthen a splice site. This variant is present in population databases (no rsID available, gnomAD 0.01%). This variant has been observed in individual(s) with clinical features of hypertrophic cardiomyopathy (Invitae). This sequence change falls in intron 24 of the FLNC gene. It does not directly change the encoded amino acid sequence of the FLNC protein. It affects a nucleotide within the consensus splice site.

Literature cited by the submitters: PubMed 17576681; PubMed 9536098.